The following is an entry in ClinVar:

NM_001113378.2(FANCI):c.3069G>A (p.Leu1023=)

Gene: FANCI (FA complementation group I; plus strand). Cytogenetic location: 15q26.1.
Variant type: single nucleotide variant.
Coding change: c.3069G>A on transcript NM_001113378.2 (MANE Select); coding-DNA position 3069, G replaced by A.
Protein change: p.Leu1023=; no amino-acid change (leucine 1023 retained).
Molecular consequence: synonymous variant.
Genome position (GRCh38, 1-based): chr15:89,305,125, G>A. VCF-style: chr15-89305125-G-A. GRCh37 (hg19) VCF-style: chr15-89848356-G-A.
Other names: c.2790G>A, p.Leu930= (NM_001376910.1); c.3069G>A, p.Leu1023= (NM_001376911.1); c.2889G>A, p.Leu963= (NM_018193.3).
Identifiers: ClinVar variation 1674806 (VCV001674806.16), dbSNP rs777093571, ClinGen allele CA7723588.

ClinVar aggregate classification (germline): Likely benign. Review status: criteria provided, multiple submitters, no conflicts (2 of 4 stars). 3 submissions from 3 submitters: Likely benign (3). Last evaluated 2026-08-01.

Conditions:
Fanconi anemia (FA). Also called: Fanconi's anemia. Identifiers: Orphanet 84, MedGen C0015625, MeSH D005199, MONDO:0019391.

Allele frequency attached by ClinVar (database versions not stated): ExAC 0.00001; gnomAD 0.00001; gnomAD exomes 0.00002; TOPMed 0.00002.
gnomAD v4.1: 34 of 1,614,022 alleles (0.0021%); highest among the groups gnomAD compares: Middle Eastern, 0.016%; no homozygotes.

Submissions (3):

CeGaT Center for Human Genetics Tuebingen
Classification: Likely benign. Last evaluated: 2026-08-01. Review status: criteria provided, single submitter. Criteria: CeGaT Center For Human Genetics Tuebingen Variant Classification Criteria Version 2. Collection method: clinical testing. Allele origin: germline. Affected: yes. Observed: 4 variant alleles.
Comment: FANCI: BP4, BP7

Blueprint Genetics
Classification: Likely benign. Last evaluated: 2024-11-04. Review status: criteria provided, single submitter. Criteria: ACMG Guidelines, 2015. Collection method: clinical testing. Allele origin: germline.

Labcorp Genetics (formerly Invitae), Labcorp
Classification: Likely benign for Fanconi anemia. Last evaluated: 2024-02-01. Review status: criteria provided, single submitter. Criteria: Invitae Variant Classification Sherloc (09022015). Collection method: clinical testing. Allele origin: germline.